The following is an entry in ClinVar:

ClinVar aggregate classification (germline): Uncertain significance (1 of 4 stars; one submission).

Submission:

GeneDx
Classification: Uncertain significance. Last evaluated: 2025-08-13. Review status: criteria provided, single submitter. Criteria: GeneDx Variant Classification Process June 2021. Collection method: clinical testing. Allele origin: germline. Affected: yes.
Comment: Not observed at significant frequency in large population cohorts (gnomAD); In silico analysis suggests that this missense variant does not alter protein structure/function; Has not been previously published as pathogenic or benign to our knowledge

NM_024528.4(NKAP):c.140G>A (p.Cys47Tyr)

Gene: NKAP (NFKB activating protein; minus strand). Cytogenetic location: Xq24.
Variant type: single nucleotide variant.
Coding change: c.140G>A on transcript NM_024528.4 (MANE Select); coding-DNA position 140, G replaced by A.
Protein change: p.Cys47Tyr; replaces cysteine 47 with tyrosine.
Molecular consequence: missense variant.
Genome position (GRCh38, 1-based): chrX:119,943,466, C>T on the plus strand (G>A on the coding strand, the complement: NKAP is on the minus strand). VCF-style: chrX-119943466-C-T. GRCh37 (hg19) VCF-style: chrX-119077429-C-T.
Other names: short protein forms C47Y.
Identifiers: ClinVar variation 4795255 (VCV004795255.1).